The following is an entry in ClinVar:

NM_000051.4(ATM):c.8296G>A (p.Val2766Ile)

Genes: ATM (ATM serine/threonine kinase; plus strand), C11orf65 (chromosome 11 open reading frame 65; minus strand). Cytogenetic location: 11q22.3.
Variant type: single nucleotide variant.
Coding change: c.8296G>A on transcript NM_000051.4 (MANE Select); coding-DNA position 8296, G replaced by A.
Protein change: p.Val2766Ile; replaces valine 2766 with isoleucine.
Molecular consequence: missense variant. On other transcripts: intron variant (2).
Genome position (GRCh38, 1-based): chr11:108,343,249, G>A. VCF-style: chr11-108343249-G-A. GRCh37 (hg19) VCF-style: chr11-108213976-G-A.
Other names: p.V2766I:GTT>ATT; c.8296G>A, p.Val2766Ile (NM_001351834.2); c.641-34178C>T (NM_001330368.2); c.695-7957C>T (NM_001351110.2); short protein forms V2766I.
Identifiers: ClinVar variation 181895 (VCV000181895.23), dbSNP rs730881322, ClinGen allele CA298071.

ClinVar aggregate classification (germline): Uncertain significance. Review status: criteria provided, multiple submitters, no conflicts (2 of 4 stars). 5 submissions from 5 submitters: Uncertain significance (5). Last evaluated 2025-11-24.

Conditions:
Hereditary cancer-predisposing syndrome. Also called: Hereditary Cancer Syndrome; Tumor predisposition; Neoplastic Syndromes, Hereditary; Hereditary neoplastic syndrome. Identifiers: Orphanet 140162, MedGen C0027672, MeSH D009386, MONDO:0015356.
Familial cancer of breast. Also called: hereditary breast carcinoma; BREAST CANCER, FAMILIAL; Hereditary breast cancer. Identifiers: Orphanet 227535, MedGen C0346153, MONDO:0016419, OMIM 114480. Disease mechanism: loss of function.
Ataxia-telangiectasia syndrome (AT). Also called: ATAXIA-TELANGIECTASIA, COMPLEMENTATION GROUP A; ATAXIA-TELANGIECTASIA, FRESNO VARIANT; Ataxia-telangiectasia; Ataxia-telangiectasia, complementation group E; Cerebello-oculocutaneous telangiectasia; Immunodeficiency with ataxia telangiectasia. Identifiers: Orphanet 100, MedGen C0004135, MONDO:0008840, OMIM 208900.

gnomAD v4.1: 1 of 1,614,008 alleles (0.000062%); highest among the groups gnomAD compares: Non-Finnish European, 0.000085%; no homozygotes.

Submissions (5):

Labcorp Genetics (formerly Invitae), Labcorp
Classification: Uncertain significance for Ataxia-telangiectasia syndrome. Last evaluated: 2025-11-24. Review status: criteria provided, single submitter. Criteria: Invitae Variant Classification Sherloc (09022015). Collection method: clinical testing. Allele origin: germline.
Comment: This sequence change replaces valine, which is neutral and non-polar, with isoleucine, which is neutral and non-polar, at codon 2766 of the ATM protein (p.Val2766Ile). This variant is not present in population databases (gnomAD no frequency). This variant has not been reported in the literature in individuals affected with ATM-related conditions. ClinVar contains an entry for this variant (Variation ID: 181895). Invitae Evidence Modeling of protein sequence and biophysical properties (such as structural, functional, and spatial information, amino acid conservation, physicochemical variation, residue mobility, and thermodynamic stability) indicates that this missense variant is not expected to disrupt ATM protein function with a negative predictive value of 95%. In summary, the available evidence is currently insufficient to determine the role of this variant in disease. Therefore, it has been classified as a Variant of Uncertain Significance.

Ambry Genetics
Classification: Uncertain significance for Hereditary cancer-predisposing syndrome. Last evaluated: 2025-06-05. Review status: criteria provided, single submitter. Criteria: Ambry Variant Classification Scheme 2023. Collection method: clinical testing. Allele origin: germline.
Comment: The p.V2766I variant (also known as c.8296G>A), located in coding exon 56 of the ATM gene, results from a G to A substitution at nucleotide position 8296. The valine at codon 2766 is replaced by isoleucine, an amino acid with highly similar properties. This alteration has been reported in a cohort of pancreatic cancer patients unselected for family history (Young EL et al. BMC Cancer, 2018 Jun;18:697). This amino acid position is highly conserved in available vertebrate species. In addition, the in silico prediction for this alteration is inconclusive. Since supporting evidence is limited at this time, the clinical significance of this alteration remains unclear.

GeneDx
Classification: Uncertain significance. Last evaluated: 2024-03-14. Review status: criteria provided, single submitter. Criteria: GeneDx Variant Classification Process June 2021. Collection method: clinical testing. Allele origin: germline. Affected: yes.
Comment: Not observed at significant frequency in large population cohorts (gnomAD); In silico analysis supports that this missense variant does not alter protein structure/function; Identified in individual(s) with pancreatic cancer (PMID: 29945567); This variant is associated with the following publications: (PMID: 28481359, 23532176, 29945567)

Baylor Genetics
Classification: Uncertain significance for Familial cancer of breast. Last evaluated: 2023-10-06. Review status: criteria provided, single submitter. Criteria: ACMG Guidelines, 2015. Collection method: clinical testing. Allele origin: unknown.

Color Diagnostics, LLC DBA Color Health
Classification: Uncertain significance for Hereditary cancer-predisposing syndrome. Last evaluated: 2021-12-27. Review status: criteria provided, single submitter. Criteria: ACMG Guidelines, 2015. Collection method: clinical testing. Allele origin: germline.
Comment: This missense variant replaces valine with isoleucine at codon 2766 of the ATM protein. Computational prediction suggests that this variant may not impact protein structure and function (internally defined REVEL score threshold <= 0.5, PMID: 27666373). To our knowledge, functional studies have not been reported for this variant. This variant has not been reported in individuals affected with hereditary cancer in the literature. This variant has not been identified in the general population by the Genome Aggregation Database (gnomAD). The available evidence is insufficient to determine the role of this variant in disease conclusively. Therefore, this variant is classified as a Variant of Uncertain Significance.

Literature cited by the submitters: PubMed 29945567 (cited by Ambry Genetics).